The following is an entry in ClinVar:

ClinVar aggregate classification (germline): Conflicting classifications of pathogenicity. Review status: criteria provided, conflicting classifications (1 of 4 stars). 3 submissions from 3 submitters: Uncertain significance (1); Likely benign (2). Last evaluated 2026-01-15.

Conditions:
Anemia, nonspherocytic hemolytic, due to G6PD deficiency (CNSHA1). Also called: ANEMIA, CONGENITAL, NONSPHEROCYTIC HEMOLYTIC, 1; Hemolytic anemia due to G6PD deficiency; Class I glucose-6-phosphate dehydrogenase deficiency; Favism, susceptibility to. Identifiers: Orphanet 466026, MedGen C2720289, MONDO:0010480, OMIM 300908.

Allele frequency attached by ClinVar (database versions not stated): gnomAD exomes 0.00001 and 0.00002; ExAC 0.00001; TOPMed 0.00004; gnomAD 0.00005.
gnomAD v4.1: 16 of 1,210,299 alleles (0.0013%); highest among the groups gnomAD compares: African/African-American, 0.016%; no homozygotes.

Submissions (3):

GeneDx
Classification: Likely benign. Last evaluated: 2026-01-15. Review status: criteria provided, single submitter. Criteria: GeneDx Variant Classification Process June 2021. Collection method: clinical testing. Allele origin: germline. Affected: yes.
Comment: See Variant Classification Assertion Criteria.

Dunham Lab, University of Washington
Classification: Likely benign for Anemia, nonspherocytic hemolytic, due to G6PD deficiency. Last evaluated: 2024-09-01. Review status: criteria provided, single submitter. Criteria: ACMG Guidelines, 2015. Collection method: curation, in vitro. Allele origin: unknown, not applicable. Affected: no.
Comment: Predicted to have normal function (BP4).

Labcorp Genetics (formerly Invitae), Labcorp
Classification: Uncertain significance for Anemia, nonspherocytic hemolytic, due to G6PD deficiency. Last evaluated: 2022-01-14. Review status: criteria provided, single submitter. Criteria: Invitae Variant Classification Sherloc (09022015). Collection method: clinical testing. Allele origin: germline.
Comment: This sequence change replaces valine, which is neutral and non-polar, with isoleucine, which is neutral and non-polar, at codon 233 of the G6PD protein (p.Val233Ile). This variant is present in population databases (rs781948754, gnomAD 0.02%). This variant has not been reported in the literature in individuals affected with G6PD-related conditions. ClinVar contains an entry for this variant (Variation ID: 835994). Advanced modeling of protein sequence and biophysical properties (such as structural, functional, and spatial information, amino acid conservation, physicochemical variation, residue mobility, and thermodynamic stability) performed at Invitae indicates that this missense variant is expected to disrupt G6PD protein function. In summary, the available evidence is currently insufficient to determine the role of this variant in disease. Therefore, it has been classified as a Variant of Uncertain Significance.

NM_001360016.2(G6PD):c.697G>A (p.Val233Ile)

Gene: G6PD (glucose-6-phosphate dehydrogenase; minus strand). Cytogenetic location: Xq28.
Variant type: single nucleotide variant.
Coding change: c.697G>A on transcript NM_001360016.2 (MANE Select); coding-DNA position 697, G replaced by A.
Protein change: p.Val233Ile; replaces valine 233 with isoleucine.
Molecular consequence: missense variant.
Genome position (GRCh38, 1-based): chrX:154,534,108, C>T on the plus strand (G>A on the coding strand, the complement: G6PD is on the minus strand). VCF-style: chrX-154534108-C-T. GRCh37 (hg19) VCF-style: chrX-153762323-C-T.
Other names: c.787G>A, p.Val263Ile (NM_000402.4); c.697G>A, p.Val233Ile (NM_001042351.3); short protein forms V233I, V263I.
Identifiers: ClinVar variation 835994 (VCV000835994.9), dbSNP rs781948754, ClinGen allele CA10566180.